The following is an entry in ClinVar:

ClinVar aggregate classification (germline): Uncertain significance (1 of 4 stars; one submission).

Conditions:
Developmental and epileptic encephalopathy, 36 (DEE36). Also called: ALG13-CDG; Epileptic encephalopathy, early infantile, 36; Congenital disorder of glycosylation, type Is. Identifiers: Orphanet 324422, MedGen C4317295, MONDO:0010472, OMIM 300884.

Allele frequency attached by ClinVar (database versions not stated): gnomAD 0.00001; TOPMed 0.00001.
gnomAD v4.1: 1 of 1,204,772 alleles (0.000083%); highest among the groups gnomAD compares: African/African-American, 0.0018%; no homozygotes.

Submission:

Labcorp Genetics (formerly Invitae), Labcorp
Classification: Uncertain significance for Developmental and epileptic encephalopathy, 36. Last evaluated: 2025-04-07. Review status: criteria provided, single submitter. Criteria: Invitae Variant Classification Sherloc (09022015). Collection method: clinical testing. Allele origin: germline.
Comment: This sequence change replaces proline, which is neutral and non-polar, with leucine, which is neutral and non-polar, at codon 963 of the ALG13 protein (p.Pro963Leu). This variant is not present in population databases (gnomAD no frequency). This variant has not been reported in the literature in individuals affected with ALG13-related conditions. ClinVar contains an entry for this variant (Variation ID: 1903973). Invitae Evidence Modeling of protein sequence and biophysical properties (such as structural, functional, and spatial information, amino acid conservation, physicochemical variation, residue mobility, and thermodynamic stability) indicates that this missense variant is not expected to disrupt ALG13 protein function with a negative predictive value of 95%. In summary, the available evidence is currently insufficient to determine the role of this variant in disease. Therefore, it has been classified as a Variant of Uncertain Significance.

NM_001099922.3(ALG13):c.2888C>T (p.Pro963Leu)

Gene: ALG13 (ALG13 UDP-N-acetylglucosaminyltransferase subunit; plus strand). Cytogenetic location: Xq23.
Variant type: single nucleotide variant.
Coding change: c.2888C>T on transcript NM_001099922.3 (MANE Select); coding-DNA position 2888, C replaced by T.
Protein change: p.Pro963Leu; replaces proline 963 with leucine.
Molecular consequence: missense variant. On other transcripts: intron variant (5).
Genome position (GRCh38, 1-based): chrX:111,744,860, C>T. VCF-style: chrX-111744860-C-T. GRCh37 (hg19) VCF-style: chrX-110988088-C-T.
Other names: c.2654C>T, p.Pro885Leu (NM_001257231.2); c.2384-7930C>T (NM_001257237.2, NM_001257234.2, NM_001257230.2); c.2210-7930C>T (NM_001324293.1); c.2696-7930C>T (NM_001324292.2); short protein forms P885L, P963L.
Identifiers: ClinVar variation 1903973 (VCV001903973.4), dbSNP rs940651059, ClinGen allele CA334445779.